The following is an entry in ClinVar:

ClinVar aggregate classification (germline): Benign (1 of 4 stars; one submission).

Allele frequency attached by ClinVar (database versions not stated): 1000 Genomes Project 0.43670; 1000 Genomes Project 30x 0.44035; TOPMed 0.51493; gnomAD 0.52533 and 0.52957.
gnomAD v4.1: 79,873 of 152,018 alleles (53%); highest among the groups gnomAD compares: Non-Finnish European, 61%; 21,956 homozygotes.

Submission:

GeneDx
Classification: Benign. Last evaluated: 2018-06-19. Review status: criteria provided, single submitter. Criteria: GeneDx Variant Classification (06012015). Collection method: clinical testing. Allele origin: germline. Affected: yes.
Comment: This variant is considered likely benign or benign based on one or more of the following criteria: it is a conservative change, it occurs at a poorly conserved position in the protein, it is predicted to be benign by multiple in silico algorithms, and/or has population frequency not consistent with disease.

NM_001375808.2(LPIN2):c.1711-220C>A

Gene: LPIN2 (lipin 2; minus strand). Cytogenetic location: 18p11.31.
Variant type: single nucleotide variant.
Coding change: c.1711-220C>A on transcript NM_001375808.2 (MANE Select); 220 bases into the intron before coding-DNA position 1711, C replaced by A.
Molecular consequence: intron variant.
Genome position (GRCh38, 1-based): chr18:2,927,025, G>T on the plus strand (C>A on the coding strand, the complement: LPIN2 is on the minus strand). VCF-style: chr18-2927025-G-T. GRCh37 (hg19) VCF-style: chr18-2927023-G-T.
Other names: c.1711-220C>A (NM_014646.2, NM_001375809.1).
Identifiers: ClinVar variation 676925 (VCV000676925.1), dbSNP rs602233, ClinGen allele CA14506819.